The following is an entry in ClinVar:

NM_001111.5(ADAR):c.2668+4A>G

Genes: ADAR (adenosine deaminase RNA specific; minus strand), LOC126805874 (CDK7 strongly-dependent group 2 enhancer GRCh37_chr1:154561176-154562375; plus strand). Cytogenetic location: 1q21.3.
Variant type: single nucleotide variant.
Coding change: c.2668+4A>G on transcript NM_001111.5 (MANE Select); 4 bases into the intron after coding-DNA position 2668, A replaced by G.
Molecular consequence: intron variant.
Genome position (GRCh38, 1-based): chr1:154,589,753, T>C on the plus strand (A>G on the coding strand, the complement: ADAR is on the minus strand). VCF-style: chr1-154589753-T-C. GRCh37 (hg19) VCF-style: chr1-154562229-T-C.
Other names: c.1783+4A>G (NM_001365046.1, NM_001025107.3, NM_001365048.1 and 2 more transcripts); c.2695+4A>G (NM_001365045.1); c.1705+4A>G (NM_001365049.1); c.2533+4A>G (NM_015841.4); c.2590+4A>G (NM_015840.4).
Identifiers: ClinVar variation 1394170 (VCV001394170.6), dbSNP rs2101584990, ClinGen allele CA2573130567.

ClinVar aggregate classification (germline): Uncertain significance (1 of 4 stars; one submission).

Conditions:
Aicardi-Goutieres syndrome 6 (AGS6). Identifiers: Orphanet 51, MedGen C3539013, MONDO:0014007, OMIM 615010.
Symmetrical dyschromatosis of extremities (DSH). Also called: Dyschromatosis symmetrica hereditaria; DYSCHROMATOSIS SYMMETRICA HEREDITARIA 1; RETICULATE ACROPIGMENTATION OF DOHI; SYMMETRIC DYSCHROMATOSIS OF THE EXTREMITIES. Identifiers: Orphanet 41, MedGen C0406775, MONDO:0007483, OMIM 127400.

Submission:

Labcorp Genetics (formerly Invitae), Labcorp
Classification: Uncertain significance for Aicardi-Goutieres syndrome 6; Symmetrical dyschromatosis of extremities. Last evaluated: 2022-06-13. Review status: criteria provided, single submitter. Criteria: Invitae Variant Classification Sherloc (09022015). Collection method: clinical testing. Allele origin: germline.
Comment: This variant is not present in population databases (gnomAD no frequency). This sequence change falls in intron 8 of the ADAR gene. It does not directly change the encoded amino acid sequence of the ADAR protein. It affects a nucleotide within the consensus splice site. In summary, the available evidence is currently insufficient to determine the role of this variant in disease. Therefore, it has been classified as a Variant of Uncertain Significance. Variants that disrupt the consensus splice site are a relatively common cause of aberrant splicing (PMID: 17576681, 9536098). Algorithms developed to predict the effect of sequence changes on RNA splicing suggest that this variant is not likely to affect RNA splicing. This variant has not been reported in the literature in individuals affected with ADAR-related conditions.

Literature cited by the submitters: PubMed 17576681; PubMed 9536098.